The following is an entry in ClinVar:

NM_004304.5(ALK):c.1214A>T (p.Glu405Val)

Gene: ALK (ALK receptor tyrosine kinase; minus strand). Cytogenetic location: 2p23.2.
Variant type: single nucleotide variant.
Coding change: c.1214A>T on transcript NM_004304.5 (MANE Select); coding-DNA position 1214, A replaced by T.
Protein change: p.Glu405Val; replaces glutamic acid 405 with valine.
Molecular consequence: missense variant.
Genome position (GRCh38, 1-based): chr2:29,383,800, T>A on the plus strand (A>T on the coding strand, the complement: ALK is on the minus strand). VCF-style: chr2-29383800-T-A. GRCh37 (hg19) VCF-style: chr2-29606666-T-A.
Other names: short protein forms E405V.
Identifiers: ClinVar variation 538180 (VCV000538180.8), dbSNP rs1553309548, ClinGen allele CA346585290.

ClinVar aggregate classification (germline): Uncertain significance (1 of 4 stars; one submission).

Conditions:
Neuroblastoma, susceptibility to, 3. Also called: ALK-Related Neuroblastic Tumor Susceptibility. Identifiers: Orphanet 635, MedGen C2751681, MONDO:0013083, OMIM 613014.

Submission:

Labcorp Genetics (formerly Invitae), Labcorp
Classification: Uncertain significance for Neuroblastoma, susceptibility to, 3. Last evaluated: 2024-04-15. Review status: criteria provided, single submitter. Criteria: Invitae Variant Classification Sherloc (09022015). Collection method: clinical testing. Allele origin: germline.
Comment: This sequence change replaces glutamic acid, which is acidic and polar, with valine, which is neutral and non-polar, at codon 405 of the ALK protein (p.Glu405Val). This variant is not present in population databases (gnomAD no frequency). This variant has not been reported in the literature in individuals affected with ALK-related conditions. ClinVar contains an entry for this variant (Variation ID: 538180). An algorithm developed to predict the effect of missense changes on protein structure and function (PolyPhen-2) suggests that this variant is likely to be disruptive. In summary, the available evidence is currently insufficient to determine the role of this variant in disease. Therefore, it has been classified as a Variant of Uncertain Significance.